The following is an entry in ClinVar:

NM_000059.4(BRCA2):c.5427C>A (p.Cys1809Ter)

Gene: BRCA2 (BRCA2 DNA repair associated; plus strand). Cytogenetic location: 13q13.1.
Variant type: single nucleotide variant.
Coding change: c.5427C>A on transcript NM_000059.4 (MANE Select); coding-DNA position 5427, C replaced by A.
Protein change: p.Cys1809Ter; replaces cysteine 1809 with a stop codon.
Molecular consequence: nonsense.
Genome position (GRCh38, 1-based): chr13:32,339,782, C>A. VCF-style: chr13-32339782-C-A. GRCh37 (hg19) VCF-style: chr13-32913919-C-A.
Other names: short protein forms C1809*.
Identifiers: ClinVar variation 660602 (VCV000660602.7), dbSNP rs80359791, ClinGen allele CA387785456.

ClinVar aggregate classification (germline): Pathogenic (1 of 4 stars; one submission).

Conditions:
Hereditary breast ovarian cancer syndrome. Also called: BRCA1- and BRCA2-Associated Hereditary Breast and Ovarian Cancer; Hereditary breast and ovarian cancer syndrome; Hereditary breast and ovarian cancer syndrome (HBOC); Hereditary breast and/or ovarian cancer syndrome; Breast and ovarian cancer; Hereditary breast and ovarian cancer. Identifiers: Orphanet 145, MedGen C0677776, MeSH D061325, MONDO:0003582. Disease mechanism: loss of function.

Submission:

Labcorp Genetics (formerly Invitae), Labcorp
Classification: Pathogenic for Hereditary breast ovarian cancer syndrome. Last evaluated: 2024-02-20. Review status: criteria provided, single submitter. Criteria: Invitae Variant Classification Sherloc (09022015). Collection method: clinical testing. Allele origin: germline.
Comment: This sequence change creates a premature translational stop signal (p.Cys1809*) in the BRCA2 gene. It is expected to result in an absent or disrupted protein product. Loss-of-function variants in BRCA2 are known to be pathogenic (PMID: 20104584). This variant is not present in population databases (gnomAD no frequency). This variant has not been reported in the literature in individuals affected with BRCA2-related conditions. ClinVar contains an entry for this variant (Variation ID: 660602). For these reasons, this variant has been classified as Pathogenic.

Literature cited by the submitters: PubMed 20104584.